The following is an entry in ClinVar:

NM_018417.6(ADCY10):c.4438G>T (p.Glu1480Ter)

Gene: ADCY10 (adenylate cyclase 10; minus strand). Cytogenetic location: 1q24.2.
Variant type: single nucleotide variant.
Coding change: c.4438G>T on transcript NM_018417.6 (MANE Select); coding-DNA position 4438, G replaced by T.
Protein change: p.Glu1480Ter; replaces glutamic acid 1480 with a stop codon.
Molecular consequence: nonsense.
Genome position (GRCh38, 1-based): chr1:167,818,116, C>A on the plus strand (G>T on the coding strand, the complement: ADCY10 is on the minus strand). VCF-style: chr1-167818116-C-A. GRCh37 (hg19) VCF-style: chr1-167787354-C-A.
Other names: c.3979G>T, p.Glu1327Ter (NM_001167749.3); c.4162G>T, p.Glu1388Ter (NM_001297772.2); short protein forms E1327*, E1388*, E1480*.
Identifiers: ClinVar variation 1075582 (VCV001075582.5), dbSNP rs1662641163, ClinGen allele CA343094782.

ClinVar aggregate classification (germline): Pathogenic (1 of 4 stars; one submission).

Allele frequency attached by ClinVar (database versions not stated): gnomAD exomes below 0.00001.
gnomAD v4.1: 2 of 1,614,164 alleles (0.00012%); highest among the groups gnomAD compares: Non-Finnish European, 0.000085%; no homozygotes.

Submission:

Labcorp Genetics (formerly Invitae), Labcorp
Classification: Pathogenic. Last evaluated: 2020-06-16. Review status: criteria provided, single submitter. Criteria: Invitae Variant Classification Sherloc (09022015). Collection method: clinical testing. Allele origin: germline.
Comment: This sequence change creates a premature translational stop signal (p.Glu1480*) in the ADCY10 gene. It is expected to result in an absent or disrupted protein product. This variant is not present in population databases (ExAC no frequency). This variant has not been reported in the literature in individuals with ADCY10-related conditions. Loss-of-function variants in ADCY10 are known to be pathogenic (PMID: 31119281). For these reasons, this variant has been classified as Pathogenic.

Literature cited by the submitters: PubMed 31119281.